The following is an entry in ClinVar:

ClinVar aggregate classification (germline): Pathogenic (1 of 4 stars; one submission).

Conditions:
Autosomal recessive congenital ichthyosis 1 (LI1). Also called: COLLODION FETUS; DESQUAMATION OF NEWBORN; ICHTHYOSIS CONGENITA; ICHTHYOSIS CONGENITA II; LAMELLAR EXFOLIATION OF NEWBORN; ICHTHYOSIS, CONGENITAL, AUTOSOMAL RECESSIVE 1, WITH BATHING SUIT DISTRIBUTION. Identifiers: MedGen C4551630, MONDO:0009441, OMIM 242300.

Submission:

Myriad Genetics, Inc.
Classification: Pathogenic for Autosomal recessive congenital ichthyosis 1. Last evaluated: 2025-11-10. Review status: criteria provided, single submitter. Criteria: Myriad Autosomal Dominant, Autosomal Recessive and X-Linked Classification Criteria (2023). Collection method: clinical testing. Allele origin: unknown.
Comment: NM_000359.2(TGM1):c.1863T>G(Y621*) is expected to be pathogenic in the context of TGM1-related autosomal recessive congenital ichthyosis. This variant is predicted to lead to an abnormal or absent protein product due to the creation of a premature termination codon in TGM1, a gene where loss-of-function variants are known to be pathogenic. Please note: this variant was assessed in the context of healthy population screening.

NM_000359.3(TGM1):c.1863T>G (p.Tyr621Ter)

Gene: TGM1 (transglutaminase 1; minus strand). Cytogenetic location: 14q12.
Variant type: single nucleotide variant.
Coding change: c.1863T>G on transcript NM_000359.3 (MANE Select); coding-DNA position 1863, T replaced by G.
Protein change: p.Tyr621Ter; replaces tyrosine 621 with a stop codon.
Molecular consequence: nonsense.
Genome position (GRCh38, 1-based): chr14:24,255,036, A>C on the plus strand (T>G on the coding strand, the complement: TGM1 is on the minus strand). VCF-style: chr14-24255036-A-C. GRCh37 (hg19) VCF-style: chr14-24724242-A-C.
Other names: short protein forms Y621*.
Identifiers: ClinVar variation 5015188 (VCV005015188.1).